The following is an entry in ClinVar:

ClinVar aggregate classification (germline): Uncertain significance. Review status: criteria provided, multiple submitters, no conflicts (2 of 4 stars). 2 submissions from 2 submitters: Uncertain significance (2). Last evaluated 2022-08-22.

Conditions:
Essential hypertension, genetic (EHT). Identifiers: MedGen CN305331, MONDO:0007781, OMIM 145500.
Renal tubular dysgenesis of genetic origin. Also called: PRIMITIVE RENAL TUBULE SYNDROME. Identifiers: Orphanet 97369, MedGen C5681536, MONDO:0009970, OMIM 267430.

Allele frequency attached by ClinVar (database versions not stated): TOPMed below 0.00001; gnomAD exomes 0.00002.
gnomAD v4.1: 29 of 1,613,642 alleles (0.0018%); highest among the groups gnomAD compares: Admixed American, 0.0083%; no homozygotes.

Submissions (2):

Labcorp Genetics (formerly Invitae), Labcorp
Classification: Uncertain significance. Last evaluated: 2022-08-22. Review status: criteria provided, single submitter. Criteria: Invitae Variant Classification Sherloc (09022015). Collection method: clinical testing. Allele origin: germline.
Comment: In summary, the available evidence is currently insufficient to determine the role of this variant in disease. Therefore, it has been classified as a Variant of Uncertain Significance. Algorithms developed to predict the effect of missense changes on protein structure and function are either unavailable or do not agree on the potential impact of this missense change (SIFT: "Deleterious"; PolyPhen-2: "Not Available"; Align-GVGD: "Class C15"). ClinVar contains an entry for this variant (Variation ID: 1369328). This variant has not been reported in the literature in individuals affected with AGTR1-related conditions. This variant is present in population databases (no rsID available, gnomAD 0.01%). This sequence change replaces phenylalanine, which is neutral and non-polar, with leucine, which is neutral and non-polar, at codon 344 of the AGTR1 protein (p.Phe344Leu).

Fulgent Genetics
Classification: Uncertain significance for Essential hypertension, genetic; Renal tubular dysgenesis of genetic origin. Last evaluated: 2022-03-11. Review status: criteria provided, single submitter. Criteria: ACMG Guidelines, 2015. Collection method: clinical testing. Allele origin: unknown.

NM_000685.5(AGTR1):c.925T>C (p.Phe309Leu)

Gene: AGTR1 (angiotensin II receptor type 1; plus strand). Cytogenetic location: 3q24.
Variant type: single nucleotide variant.
Coding change: c.925T>C on transcript NM_000685.5 (MANE Select); coding-DNA position 925, T replaced by C.
Protein change: p.Phe309Leu; replaces phenylalanine 309 with leucine.
Molecular consequence: missense variant.
Genome position (GRCh38, 1-based): chr3:148,741,960, T>C. VCF-style: chr3-148741960-T-C. GRCh37 (hg19) VCF-style: chr3-148459747-T-C.
Other names: c.925T>C, p.Phe309Leu (NM_001382736.1, NM_001382737.1, NM_004835.5 and 3 more transcripts); short protein forms F309L.
Identifiers: ClinVar variation 1369328 (VCV001369328.7), dbSNP rs764229950, ClinGen allele CA85498664.